The following is an entry in ClinVar:

ClinVar aggregate classification (germline): Likely benign. Review status: criteria provided, single submitter (1 of 4 stars). 2 submissions from 2 submitters: Likely benign (1). 1 of the submissions does not count toward it. Last evaluated 2025-08-29.

Conditions:
RORC-related disorder. Also called: RORC-related condition.
Autosomal recessive mendelian susceptibility to mycobacterial diseases due to complete RORgamma receptor deficiency. Also called: Immunodeficiency 42. Identifiers: Orphanet 477857, MedGen C5567647, MONDO:0014710, OMIM 616622.

Allele frequency attached by ClinVar (database versions not stated): gnomAD 0.00009 and 0.00008; TOPMed 0.00009; gnomAD exomes 0.00010 and 0.00006; ExAC 0.00006; ESP Exome Variant Server 0.00008.
gnomAD v4.1: 155 of 1,613,962 alleles (0.0096%); highest among the groups gnomAD compares: Non-Finnish European, 0.013%; no homozygotes.

Submissions (2):

Labcorp Genetics (formerly Invitae), Labcorp
Classification: Likely benign for Autosomal recessive mendelian susceptibility to mycobacterial diseases due to complete RORgamma receptor deficiency. Last evaluated: 2025-08-29. Review status: criteria provided, single submitter. Criteria: Invitae Variant Classification Sherloc (09022015). Collection method: clinical testing. Allele origin: germline.

PreventionGenetics, part of Exact Sciences
Classification: Likely benign for RORC-related condition. Last evaluated: 2023-07-31. Review status: no assertion criteria provided. Collection method: clinical testing. Allele origin: germline. Not counted in ClinVar's aggregate classification.
Comment: This variant is classified as likely benign based on ACMG/AMP sequence variant interpretation guidelines (Richards et al. 2015 PMID: 25741868, with internal and published modifications).

NM_005060.4(RORC):c.1329G>A (p.Gln443=)

Gene: RORC (RAR related orphan receptor C; minus strand). Cytogenetic location: 1q21.3.
Variant type: single nucleotide variant.
Coding change: c.1329G>A on transcript NM_005060.4 (MANE Select); coding-DNA position 1329, G replaced by A.
Protein change: p.Gln443=; no amino-acid change (glutamine 443 retained).
Molecular consequence: synonymous variant.
Genome position (GRCh38, 1-based): chr1:151,811,391, C>T on the plus strand (G>A on the coding strand, the complement: RORC is on the minus strand). VCF-style: chr1-151811391-C-T. GRCh37 (hg19) VCF-style: chr1-151783867-C-T.
Other names: c.1266G>A, p.Gln422= (NM_001001523.2).
Identifiers: ClinVar variation 722795 (VCV000722795.11), dbSNP rs144826157, ClinGen allele CA1095684.
Genomic context (GRCh38, chr1:151,811,391, plus strand): 5'-CAGGATGCTTTGGCGATGAGTCTTGCAGAGATGATGATGAAAGGCCAGCTCCAGATTGTA[C>T]TGCAGCTGTTCTACTTTCCTTTTCTCTTGGAGCCCTGGCCGATCTGGAGGAGGGGGTGGG-3'
Protein context (NP_005051.2, residues 433-453): LQEKRKVEQL[Gln443=]YNLELAFHHH